The following is an entry in ClinVar:

ClinVar aggregate classification (germline): Benign/Likely benign. Review status: criteria provided, multiple submitters, no conflicts (2 of 4 stars). 3 submissions from 3 submitters: Benign (2); Likely benign (1). Last evaluated 2026-01-12.

Submissions (3):

Labcorp Genetics (formerly Invitae), Labcorp
Classification: Benign. Last evaluated: 2026-01-12. Review status: criteria provided, single submitter. Criteria: Invitae Variant Classification Sherloc (09022015). Collection method: clinical testing. Allele origin: germline.

Blueprint Genetics
Classification: Likely benign. Last evaluated: 2024-11-06. Review status: criteria provided, single submitter. Criteria: ACMG Guidelines, 2015. Collection method: clinical testing. Allele origin: germline.

CeGaT Center for Human Genetics Tuebingen
Classification: Benign. Last evaluated: 2024-10-01. Review status: criteria provided, single submitter. Criteria: CeGaT Center For Human Genetics Tuebingen Variant Classification Criteria Version 2. Collection method: clinical testing. Allele origin: germline. Affected: yes. Observed: 2 variant alleles.
Comment: FZD2: BS1, BS2

NM_001466.4(FZD2):c.33_34insATGCCG (p.Leu11_Leu12insMetPro)

Gene: FZD2 (frizzled class receptor 2; plus strand). Cytogenetic location: 17q21.31.
Variant type: Insertion.
Coding change: c.33_34insATGCCG on transcript NM_001466.4 (MANE Select); coding-DNA positions 33 to 34, ATGCCG inserted.
Protein change: p.Leu11_Leu12insMetPro.
Molecular consequence: inframe insertion.
Genome position: GRCh38 VCF-style: chr17-44557720-T-TGATGCC. GRCh37 (hg19) VCF-style: chr17-42635088-T-TGATGCC.
Identifiers: ClinVar variation 782156 (VCV000782156.34), dbSNP rs753676516, ClinGen allele CA8604596.